The following is an entry in ClinVar:

ClinVar aggregate classification (germline): Uncertain significance (1 of 4 stars; one submission).

Submission:

CeGaT Center for Human Genetics Tuebingen
Classification: Uncertain significance. Last evaluated: 2022-03-01. Review status: criteria provided, single submitter. Criteria: CeGaT Center For Human Genetics Tuebingen Variant Classification Criteria Version 2. Collection method: clinical testing. Allele origin: germline. Affected: yes. Observed: 1 variant allele.
Comment: SMARCA2: PM2

NM_003070.5(SMARCA2):c.193T>C (p.Phe65Leu)

Gene: SMARCA2 (SWI/SNF related BAF chromatin remodeling complex subunit ATPase 2; plus strand). Cytogenetic location: 9p24.3.
Variant type: single nucleotide variant.
Coding change: c.193T>C on transcript NM_003070.5 (MANE Select); coding-DNA position 193, T replaced by C.
Protein change: p.Phe65Leu; replaces phenylalanine 65 with leucine.
Molecular consequence: missense variant.
Genome position (GRCh38, 1-based): chr9:2,029,215, T>C. VCF-style: chr9-2029215-T-C. GRCh37 (hg19) VCF-style: chr9-2029215-T-C.
Other names: c.193T>C, p.Phe65Leu (NM_001289396.2, NM_001289397.2, NM_139045.4); short protein forms F65L.
Identifiers: ClinVar variation 2659027 (VCV002659027.23), dbSNP rs2537193162, ClinGen allele CA372779346.